The following is an entry in ClinVar:

NC_012920.1(MT-ND1):m.3697G>A

Gene: MT-ND1 (mitochondrially encoded NADH dehydrogenase 1; plus strand).
Variant type: single nucleotide variant.
Genome position: chrM-3697-G-A.
Other names: 3697G-A.
Identifiers: ClinVar variation 9733 (VCV000009733.8), dbSNP rs199476122, ClinGen allele CA120647.

ClinVar aggregate classification (germline): Likely pathogenic. Review status: reviewed by expert panel (3 of 4 stars). 9 submissions from 7 submitters: Likely pathogenic (1). 8 of the submissions do not count toward it. Last evaluated 2022-03-24.

Conditions:
Leber optic atrophy (LHON). Also called: Leber's disease; Leber's optic atrophy; Optic Atrophy, Hereditary, Leber; Leber hereditary optic neuropathy. Identifiers: Orphanet 104, MedGen C0917796, MONDO:0010788, OMIM 535000, HP:0001112.
Leber optic atrophy and dystonia. Also called: MARSDEN SYNDROME; LHON and dystonia; Dystonia familial, with visual failure and striatal lucencies; Leber's hereditary optic neuropathy with dystonia. Identifiers: Orphanet 99718, MedGen C1839040, MONDO:0010772, OMIM 500001.
Primary Mitochondrial Disorders. Identifiers: MedGen CN381104.
Mitochondrial disease. Also called: Mitochondrial disorders; Mitochondrial disorder. Identifiers: Orphanet 68380, MedGen C0751651, MeSH D028361, MONDO:0044970.
MELAS syndrome (MELAS). Also called: Juvenile myopathy, encephalopathy, lactic acidosis, stroke. Identifiers: Orphanet 550, MedGen C0162671, MONDO:0010789, OMIM 540000.
Ventriculomegaly. Identifiers: MedGen C1531647, HP:0002119.
Developmental regression. Also called: C1836830. Identifiers: MedGen C1836830, HP:0002376.
Migraine. Also called: Migraine disorder. Identifiers: MedGen C0149931, MONDO:0005277, HP:0002076.
Hypertonia. Identifiers: MedGen C0026826, HP:0001276.
Attention deficit hyperactivity disorder (ADHD). Also called: Attention-Deficit/Hyperactivity Disorder. Identifiers: MedGen C1263846, MONDO:0007743, HP:0007018.
Dystonic disorder. Also called: Dystonia. Identifiers: MedGen C0013421, MONDO:0003441, HP:0001332.
Seizure. Also called: Seizures. Identifiers: MedGen C0036572, HP:0001250.

Submissions (9):

ClinGen Mitochondrial Disease Nuclear and Mitochondrial  Variant Curation Expert Panel, ClinGen
Classification: Likely pathogenic for Mitochondrial disease. Last evaluated: 2022-03-24. Review status: reviewed by expert panel. Criteria: clingen mito disease acmg specifications v1-1. Collection method: curation. Allele origin: germline. Inheritance: Mitochondrial inheritance.
Comment: The m.3697G>A (p.G131S) variant in MT-ND1 has been reported in at least 14 individuals with primary mitochondrial disease from 8 families. Affected individuals had onset ranging from the first week of life to adulthood; and with features variably consistent with Leigh syndrome, MELAS, and LHON (PS4_moderate; PMIDs: 31996177, 30623604, 28429146, 24830958, 18977334, 17562939, 15466014). There are no reports of de novo occurrence of this variant. This variant segregated with disease in multiple affected members in multiple families and several healthy family members had lower to undetectable levels of the variant (PP1_moderate; PMIDs: 24830958, 17562939, 16969869, 15466014). This variant is absent in the GenBank dataset, Helix dataset, and gnomAD v3.1.2 (PM2_supporting). Functional studies supported the deleterious impact of this variant (PS3_supporting; PMID: 15466014). In summary, this variant meets criteria to be classified as likely pathogenic for primary mitochondrial disease inherited in a mitochondrial manner. This classification was approved by the NICHD/NINDS U24 Mitochondrial Disease Variant Curation Expert Panel on March 22, 2022. Mitochondrial DNA-specific ACMG/AMP criteria applied: PS3_supporting, PS4_moderate, PM2_supporting, PP1_moderate.

Variantyx, Inc.
Classification: Likely pathogenic for primary mitochondrial disorders. Last evaluated: 2026-01-08. Review status: criteria provided, single submitter. Criteria: Variantyx Assertion Criteria 2022. Collection method: clinical testing. Allele origin: germline. Inheritance: Mitochondrial inheritance. Not counted in ClinVar's aggregate classification.
Comment: The m.3697G>A, c.391G>A, p.Gly131Ser change is a a nonsynonymous single nucleotide variant in the MT-ND1 gene. Pathogenic variants in this gene have been associated with primary mitochondrial disorders. This variant has been reported in at least 7 unrelated affected individuals (PMID: 31996177, 30623604, 28429146, 24830958, 18977334, 17562939, 15466014) (PS4_Moderate) and it has been observed to segregate with disease in at least 8 individuals from 5 families. Unaffected family members may have lower to undetectable levels of the variant (PMID: 24830958, 17562939, 16969869, 15466014, 30623604) (PP1). Functional studies show a deleterious effect for this variant (PMID: 15466014) (PS3_Supporting). This variant is absent from control populations (PM2) and other reputable laboratories have reported this variant as pathogenic or likely pathogenic, and this classification has been validated by an expert panel in ClinVar (PP5). Based on the current evidence, this variant is classified as likely pathogenic for primary mitochondrial disorders.

Mendelics
Classification: Pathogenic for Leber optic atrophy. Last evaluated: 2022-05-04. Review status: criteria provided, single submitter. Criteria: Mendelics Assertion Criteria 2019. Collection method: clinical testing. Allele origin: germline. Not counted in ClinVar's aggregate classification.

HudsonAlpha Institute for Biotechnology
Classification: Likely pathogenic for Attention deficit hyperactivity disorder; Developmental regression; Ventriculomegaly; Migraine; Dystonic disorder; Hypertonia; Seizure. Last evaluated: 2021-08-18. Review status: criteria provided, single submitter. Criteria: ACMG Guidelines, 2015. Collection method: research. Allele origin: maternal. Affected: yes. Observed: 1 variant allele. Study: CSER-HudsonAlpha. Not counted in ClinVar's aggregate classification.

Wong Mito Lab, Molecular and Human Genetics, Baylor College of Medicine
Classification: Pathogenic for MELAS syndrome. Last evaluated: 2019-10-17. Review status: criteria provided, single submitter. Criteria: Modified ACMG Guidelines (Unpublished). Collection method: clinical testing. Allele origin: germline. Not counted in ClinVar's aggregate classification.
Comment: The NC_012920.1:m.3697G>A (YP_003024026.1:p.Gly131Ser) variant in MTND1 gene is interpretated to be a Pathogenic variant based on the modified ACMG guidelines (unpublished). This variant meets the following evidence codes: PS1, PM8, PM9, PM10

OMIM
Classification: Pathogenic for MELAS SYNDROME. Last evaluated: 2007-06-01. Review status: no assertion criteria provided. Collection method: literature only. Allele origin: germline. Not counted in ClinVar's aggregate classification.

OMIM
Classification: Pathogenic for LEBER OPTIC ATROPHY AND DYSTONIA. Last evaluated: 2007-06-01. Review status: no assertion criteria provided. Collection method: literature only. Allele origin: germline. Not counted in ClinVar's aggregate classification.

GeneReviews
No classification provided. Condition: Leber optic atrophy. Review status: no classification provided. Collection method: literature only. Allele origin: maternal. Not counted in ClinVar's aggregate classification.

GeneReviews
No classification provided. Condition: MELAS syndrome. Review status: no classification provided. Collection method: literature only. Allele origin: maternal. Not counted in ClinVar's aggregate classification.

Literature cited by the submitters: PubMed 15466014 (cited by 5 submitters); PubMed 31996177 (cited by Variantyx, Inc.); PubMed 30623604 (cited by Variantyx, Inc.); PubMed 28429146 (cited by Variantyx, Inc.); PubMed 24830958 (cited by Variantyx, Inc. and Wong Mito Lab, Molecular and Human Genetics, Baylor College of Medicine); PubMed 18977334 (cited by Variantyx, Inc.); PubMed 17562939 (cited by 3 submitters); PubMed 16969869 (cited by Variantyx, Inc. and Wong Mito Lab, Molecular and Human Genetics, Baylor College of Medicine); PubMed 30143805 (cited by GeneReviews); PubMed 20301353 (cited by GeneReviews).